The following is an entry in ClinVar:

ClinVar aggregate classification (germline): Conflicting classifications of pathogenicity. Review status: criteria provided, conflicting classifications (1 of 4 stars). 2 submissions from 2 submitters: Likely pathogenic (1); Uncertain significance (1). Last evaluated 2025-06-23.

Submissions (2):

GeneDx
Classification: Likely pathogenic. Last evaluated: 2025-06-23. Review status: criteria provided, single submitter. Criteria: GeneDx Variant Classification Process June 2021. Collection method: clinical testing. Allele origin: germline.
Comment: Not observed at significant frequency in large population cohorts (gnomAD); In silico analysis supports that this missense variant has a deleterious effect on protein structure/function; Has not been previously published as pathogenic or benign to our knowledge

Labcorp Genetics (formerly Invitae), Labcorp
Classification: Uncertain significance. Last evaluated: 2022-09-07. Review status: criteria provided, single submitter. Criteria: Invitae Variant Classification Sherloc (09022015). Collection method: clinical testing. Allele origin: germline.
Comment: In summary, the available evidence is currently insufficient to determine the role of this variant in disease. Therefore, it has been classified as a Variant of Uncertain Significance. Algorithms developed to predict the effect of missense changes on protein structure and function are either unavailable or do not agree on the potential impact of this missense change (SIFT: "Deleterious"; PolyPhen-2: "Benign"; Align-GVGD: "Class C25"). This variant has not been reported in the literature in individuals affected with UBE2A-related conditions. This variant is not present in population databases (gnomAD no frequency). This sequence change replaces arginine, which is basic and polar, with histidine, which is basic and polar, at codon 95 of the UBE2A protein (p.Arg95His).

NM_003336.4(UBE2A):c.284G>A (p.Arg95His)

Gene: UBE2A (ubiquitin conjugating enzyme E2 A; plus strand). Cytogenetic location: Xq24.
Variant type: single nucleotide variant.
Coding change: c.284G>A on transcript NM_003336.4 (MANE Select); coding-DNA position 284, G replaced by A.
Protein change: p.Arg95His; replaces arginine 95 with histidine.
Molecular consequence: missense variant.
Genome position (GRCh38, 1-based): chrX:119,582,630, G>A. VCF-style: chrX-119582630-G-A. GRCh37 (hg19) VCF-style: chrX-118716593-G-A.
Other names: c.185G>A, p.Arg62His (NM_001282161.2); c.194G>A, p.Arg65His (NM_181762.3); c.284G>A (NM_003336.2); short protein forms R62H, R95H, R65H.
Identifiers: ClinVar variation 1964662 (VCV001964662.7), dbSNP rs2520655535, ClinGen allele CA414376475.